The following is an entry in ClinVar:

NM_024426.6(WT1):c.730T>C (p.Phe244Leu)

Gene: WT1 (WT1 transcription factor; minus strand). Cytogenetic location: 11p13.
Variant type: single nucleotide variant.
Coding change: c.730T>C on transcript NM_024426.6 (MANE Select); coding-DNA position 730, T replaced by C.
Protein change: p.Phe244Leu; replaces phenylalanine 244 with leucine.
Molecular consequence: missense variant. On other transcripts: non-coding transcript variant (1).
Genome position (GRCh38, 1-based): chr11:32,428,551, A>G on the plus strand (T>C on the coding strand, the complement: WT1 is on the minus strand). VCF-style: chr11-32428551-A-G. GRCh37 (hg19) VCF-style: chr11-32450097-A-G.
Other names: c.715T>C (NM_024426.4); c.730T>C, p.Phe244Leu (NM_000378.6, NM_001407044.1, NM_001407045.1 and 4 more transcripts); c.79T>C, p.Phe27Leu (NM_001198551.2, NM_001198552.2); c.-33T>C (NM_001407051.1); c.715T>C, p.Phe239Leu (NM_024425.2); short protein forms F244L, F27L, F239L.
Identifiers: ClinVar variation 1055186 (VCV001055186.11), dbSNP rs771455202, ClinGen allele CA379963398.

ClinVar aggregate classification (germline): Uncertain significance. Review status: criteria provided, multiple submitters, no conflicts (2 of 4 stars). 2 submissions from 2 submitters: Uncertain significance (2). Last evaluated 2025-12-11.

Conditions:
Frasier syndrome. Identifiers: Orphanet 347, MedGen C0950122, MeSH D052159, MONDO:0007635, OMIM 136680.
Wilms tumor 1 (WT1). Also called: Wilms tumor, somatic. Identifiers: Orphanet 654, MedGen CN033288, MONDO:0008679, OMIM 194070.
11p partial monosomy syndrome (WAGR). Also called: WAGR Complex; CHROMOSOME 11p13 DELETION SYNDROME; WAGR syndrome; WAGR Spectrum Disorder. Identifiers: Orphanet 893, MedGen C0206115, MONDO:0008681, OMIM 194072.
Drash syndrome (DDS). Also called: NEPHROPATHY, WILMS TUMOR, AND GENITAL ANOMALIES; WILMS TUMOR AND PSEUDO- OR TRUE HERMAPHRODITISM. Identifiers: Orphanet 220, MedGen C0950121, MONDO:0008682, OMIM 194080.
Inborn genetic diseases. Identifiers: MedGen C0950123, MeSH D030342.

gnomAD v4.1: 1 of 1,614,074 alleles (0.000062%); highest among the groups gnomAD compares: Non-Finnish European, 0.000085%; no homozygotes.

Submissions (2):

Ambry Genetics
Classification: Uncertain significance for Inborn genetic diseases. Last evaluated: 2025-12-11. Review status: criteria provided, single submitter. Criteria: Ambry Variant Classification Scheme 2023. Collection method: clinical testing. Allele origin: germline.
Comment: The p.F239L variant (also known as c.715T>C), located in coding exon 2 of the WT1 gene, results from a T to C substitution at nucleotide position 715. The phenylalanine at codon 239 is replaced by leucine, an amino acid with highly similar properties. This amino acid position is well conserved in available vertebrate species. In addition, this alteration is predicted to be tolerated by in silico analysis. Based on the available evidence, the clinical significance of this variant remains unclear.

Labcorp Genetics (formerly Invitae), Labcorp
Classification: Uncertain significance for Wilms tumor 1; Drash syndrome; 11p partial monosomy syndrome; Frasier syndrome. Last evaluated: 2023-05-08. Review status: criteria provided, single submitter. Criteria: Invitae Variant Classification Sherloc (09022015). Collection method: clinical testing. Allele origin: germline.
Comment: This sequence change replaces phenylalanine, which is neutral and non-polar, with leucine, which is neutral and non-polar, at codon 239 of the WT1 protein (p.Phe239Leu). This variant is not present in population databases (gnomAD no frequency). This variant has not been reported in the literature in individuals affected with WT1-related conditions. ClinVar contains an entry for this variant (Variation ID: 1055186). Algorithms developed to predict the effect of missense changes on protein structure and function output the following: SIFT: "Not Available"; PolyPhen-2: "Benign"; Align-GVGD: "Not Available". The leucine amino acid residue is found in multiple mammalian species, which suggests that this missense change does not adversely affect protein function. In summary, the available evidence is currently insufficient to determine the role of this variant in disease. Therefore, it has been classified as a Variant of Uncertain Significance.